The following is an entry in ClinVar:

NM_015570.4(AUTS2):c.3330C>A (p.Tyr1110Ter)

Gene: AUTS2 (activator of transcription and developmental regulator AUTS2; plus strand). Cytogenetic location: 7q11.22.
Variant type: single nucleotide variant.
Coding change: c.3330C>A on transcript NM_015570.4 (MANE Select); coding-DNA position 3330, C replaced by A.
Protein change: p.Tyr1110Ter; replaces tyrosine 1110 with a stop codon.
Molecular consequence: nonsense.
Genome position (GRCh38, 1-based): chr7:70,790,546, C>A. VCF-style: chr7-70790546-C-A. GRCh37 (hg19) VCF-style: chr7-70255532-C-A.
Other names: c.3258C>A, p.Tyr1086Ter (NM_001127231.3); short protein forms Y1086*, Y1110*.
Identifiers: ClinVar variation 3363410 (VCV003363410.1).
Genomic context (GRCh38, chr7:70,790,546, plus strand): 5'-GGGCAGGGACTTCCTGCTAAGGAACGACCCGCTCCACCGGCTCTCGACTCCCCGGCTGTA[C>A]GAAGCCGACCGCTCCTTCAGGGACCGGGAGCCTCACGACTACAGCCACCACCACCACCAC-3'

ClinVar aggregate classification (germline): Uncertain significance (1 of 4 stars; one submission).

Submission:

GeneDx
Classification: Uncertain significance. Last evaluated: 2023-10-30. Review status: criteria provided, single submitter. Criteria: GeneDx Variant Classification Process June 2021. Collection method: clinical testing. Allele origin: germline. Affected: yes.
Comment: Not observed at significant frequency in large population cohorts (gnomAD); Nonsense variant predicted to result in protein truncation as the last 150 amino acids are lost, although loss-of-function variants have not been reported downstream of this position in the protein; Has not been previously published as pathogenic or benign to our knowledge